The following is an entry in ClinVar:

NC_000001.10:g.(?_115828691)_(115829416_?)dup

Gene: NGF (nerve growth factor; minus strand). Cytogenetic location: 1p13.2.
Variant type: Duplication.
Identifiers: ClinVar variation 2424474 (VCV002424474.3).

ClinVar aggregate classification (germline): Uncertain significance (1 of 4 stars; one submission).

Conditions:
Congenital sensory neuropathy with selective loss of small myelinated fibers (HSAN5). Also called: HSAN Type V. Identifiers: Orphanet 64752, MedGen C0020075, MONDO:0012092, OMIM 608654.

Submission:

Labcorp Genetics (formerly Invitae), Labcorp
Classification: Uncertain significance for Congenital sensory neuropathy with selective loss of small myelinated fibers. Last evaluated: 2021-09-10. Review status: criteria provided, single submitter. Criteria: Invitae Variant Classification Sherloc (09022015). Collection method: clinical testing. Allele origin: germline.
Comment: This variant results in a copy number gain of the genomic region encompassing the full coding sequence of the NGF gene. The boundaries of this event are unknown as they extend beyond the assayed region for this gene and therefore may encompass additional genes. As the precise location of this event is unknown, it may be in tandem or it may be located elsewhere in the genome. This variant has not been reported in the literature in individuals with NGF-related conditions. Experimental studies and prediction algorithms are not available or were not evaluated, and the functional significance of this variant is currently unknown. In summary, the available evidence is currently insufficient to determine the role of this variant in disease. Therefore, it has been classified as a Variant of Uncertain Significance.